The following is an entry in ClinVar:

ClinVar aggregate classification (germline): Pathogenic/Likely pathogenic. Review status: criteria provided, multiple submitters, no conflicts (2 of 4 stars). 3 submissions from 3 submitters: Pathogenic (2); Likely pathogenic (1). Last evaluated 2025-11-18.

Conditions:
USH2A-related disorder. Also called: USH2A-related condition; USH2A-related disorders. Identifiers: MedGen CN239332.
Retinitis pigmentosa 39 (RP39). Identifiers: Orphanet 791, MedGen C3151138, MONDO:0013436, OMIM 613809.

Submissions (3):

Labcorp Genetics (formerly Invitae), Labcorp
Classification: Pathogenic. Last evaluated: 2025-11-18. Review status: criteria provided, single submitter. Criteria: Invitae Variant Classification Sherloc (09022015). Collection method: clinical testing. Allele origin: germline.
Comment: This sequence change creates a premature translational stop signal (p.Ala2311Profs*15) in the USH2A gene. It is expected to result in an absent or disrupted protein product. Loss-of-function variants in USH2A are known to be pathogenic (PMID: 10729113, 10909849, 20507924, 25649381). This variant is not present in population databases (gnomAD no frequency). This premature translational stop signal has been observed in individual(s) with Usher syndrome (PMID: 17405132). ClinVar contains an entry for this variant (Variation ID: 860964). For these reasons, this variant has been classified as Pathogenic.

Baylor Genetics
Classification: Pathogenic for Retinitis pigmentosa 39. Last evaluated: 2024-02-19. Review status: criteria provided, single submitter. Criteria: ACMG Guidelines, 2015. Collection method: clinical testing. Allele origin: unknown.

Blueprint Genetics
Classification: Likely pathogenic for USH2A-related disorders. Last evaluated: 2017-09-06. Review status: criteria provided, single submitter. Criteria: ACMG Guidelines, 2015. Collection method: clinical testing. Allele origin: germline. Affected: yes. Observed: 1 variant allele.

Literature cited by the submitters: PubMed 10729113 (cited by Labcorp Genetics (formerly Invitae), Labcorp); PubMed 10909849 (cited by Labcorp Genetics (formerly Invitae), Labcorp); PubMed 20507924 (cited by Labcorp Genetics (formerly Invitae), Labcorp); PubMed 25649381 (cited by Labcorp Genetics (formerly Invitae), Labcorp); PubMed 17405132 (cited by Labcorp Genetics (formerly Invitae), Labcorp).

NM_206933.4(USH2A):c.6931del (p.Ala2311fs)

Gene: USH2A (usherin; minus strand). Cytogenetic location: 1q41.
Variant type: Deletion.
Coding change: c.6931del on transcript NM_206933.4 (MANE Select); coding-DNA position 6931, one base deleted (G; older notation c.6931delG).
Protein change: p.Ala2311fs; shifts the reading frame from alanine 2311.
Molecular consequence: frameshift variant.
Genome position (GRCh38, 1-based): chr1:215,970,651, C deleted on the plus strand (G on the coding strand, the reverse complement: USH2A is on the minus strand); the first of 2 consecutive C bases (chr1:215,970,651-215,970,652); deleting either gives the same sequence. VCF-style (leftmost placement, unchanged base first): chr1-215970650-GC-G. GRCh37 (hg19) VCF-style: chr1-216143992-GC-G.
Other names: short protein forms A2311fs.
Identifiers: ClinVar variation 860964 (VCV000860964.11), dbSNP rs1667471296, ClinGen allele CA916082130.